The following is an entry in ClinVar:

NM_002900.3(RBP3):c.2788A>G (p.Ile930Val)

Gene: RBP3 (retinol binding protein 3; plus strand). Cytogenetic location: 10q11.22.
Variant type: single nucleotide variant.
Coding change: c.2788A>G on transcript NM_002900.3 (MANE Select); coding-DNA position 2788, A replaced by G.
Protein change: p.Ile930Val; replaces isoleucine 930 with valine.
Molecular consequence: missense variant.
Genome position (GRCh38, 1-based): chr10:47,351,272, A>G. VCF-style: chr10-47351272-A-G. GRCh37 (hg19) VCF-style: chr10-48388090-T-C.
Other names: c.2788A>G (NM_002900.2); short protein forms I930V.
Identifiers: ClinVar variation 1400809 (VCV001400809.8), dbSNP rs782772636, ClinGen allele CA5487204.

ClinVar aggregate classification (germline): Uncertain significance. Review status: criteria provided, multiple submitters, no conflicts (2 of 4 stars). 2 submissions from 2 submitters: Uncertain significance (2). Last evaluated 2024-08-26.

Conditions:
Inborn genetic diseases. Identifiers: MedGen C0950123, MeSH D030342.

Allele frequency attached by ClinVar (database versions not stated): gnomAD 0.00001; ExAC 0.00003.
gnomAD v4.1: 34 of 1,613,344 alleles (0.0021%); highest among the groups gnomAD compares: South Asian, 0.022%; 1 homozygote.

Submissions (2):

Ambry Genetics
Classification: Uncertain significance for Inborn genetic diseases. Last evaluated: 2024-08-26. Review status: criteria provided, single submitter. Criteria: Ambry Variant Classification Scheme 2023. Collection method: clinical testing. Allele origin: germline.

Labcorp Genetics (formerly Invitae), Labcorp
Classification: Uncertain significance. Last evaluated: 2022-08-15. Review status: criteria provided, single submitter. Criteria: Invitae Variant Classification Sherloc (09022015). Collection method: clinical testing. Allele origin: germline.
Comment: This sequence change replaces isoleucine, which is neutral and non-polar, with valine, which is neutral and non-polar, at codon 930 of the RBP3 protein (p.Ile930Val). This variant is present in population databases (rs782772636, gnomAD 0.02%). This variant has not been reported in the literature in individuals affected with RBP3-related conditions. ClinVar contains an entry for this variant (Variation ID: 1400809). Algorithms developed to predict the effect of missense changes on protein structure and function are either unavailable or do not agree on the potential impact of this missense change (SIFT: "Deleterious"; PolyPhen-2: "Benign"; Align-GVGD: "Class C25"). In summary, the available evidence is currently insufficient to determine the role of this variant in disease. Therefore, it has been classified as a Variant of Uncertain Significance.